The following is an entry in ClinVar:

ClinVar aggregate classification (germline): Benign/Likely benign. Review status: criteria provided, multiple submitters, no conflicts (2 of 4 stars). 6 submissions from 6 submitters: Benign (3); Likely benign (3). Last evaluated 2026-01-17.

Conditions:
Treacher Collins syndrome 1 (TCS1). Also called: TCOF1-Related Treacher Collins Syndrome. Identifiers: Orphanet 861, MedGen CN315775, MONDO:0007944, OMIM 154500.

Allele frequency attached by ClinVar (database versions not stated): gnomAD exomes 0.00017 and 0.00054; ExAC 0.00062; 1000 Genomes Project 0.00120; 1000 Genomes Project 30x 0.00141; gnomAD 0.00180 and 0.00197; TOPMed 0.00199; ESP Exome Variant Server 0.00223.
gnomAD v4.1: 522 of 1,614,222 alleles (0.032%); highest among the groups gnomAD compares: African/African-American, 0.62%; 1 homozygote.

Submissions (6):

Labcorp Genetics (formerly Invitae), Labcorp
Classification: Benign for Treacher Collins syndrome 1. Last evaluated: 2026-01-17. Review status: criteria provided, single submitter. Criteria: Invitae Variant Classification Sherloc (09022015). Collection method: clinical testing. Allele origin: germline.

CeGaT Center for Human Genetics Tuebingen
Classification: Likely benign. Last evaluated: 2026-01-01. Review status: criteria provided, single submitter. Criteria: CeGaT Center For Human Genetics Tuebingen Variant Classification Criteria Version 2. Collection method: clinical testing. Allele origin: germline. Affected: yes. Observed: 5 variant alleles.
Comment: TCOF1: BP4, BP7

Mayo Clinic Laboratories, Mayo Clinic
Classification: Likely benign. Last evaluated: 2025-03-20. Review status: criteria provided, single submitter. Criteria: ACMG Guidelines, 2015. Collection method: clinical testing. Allele origin: germline. Observed: 1 variant allele.
Comment: BS1, BP4, BP7

Blueprint Genetics
Classification: Likely benign. Last evaluated: 2024-10-23. Review status: criteria provided, single submitter. Criteria: ACMG Guidelines, 2015. Collection method: clinical testing. Allele origin: germline.

GeneDx
Classification: Benign. Last evaluated: 2020-02-12. Review status: criteria provided, single submitter. Criteria: GeneDx Variant Classification Process June 2021. Collection method: clinical testing. Allele origin: germline. Affected: yes.

Eurofins Ntd Llc (ga)
Classification: Benign. Last evaluated: 2017-11-15. Review status: criteria provided, single submitter. Criteria: EGL Classification Definitions 2015. Collection method: clinical testing. Allele origin: germline. Observed: 1 variant allele, 1 heterozygote.

NM_001371623.1(TCOF1):c.3426C>T (p.Ser1142=)

Gene: TCOF1 (treacle ribosome biogenesis factor 1; plus strand). Cytogenetic location: 5q32.
Variant type: single nucleotide variant.
Coding change: c.3426C>T on transcript NM_001371623.1 (MANE Select); coding-DNA position 3426, C replaced by T.
Protein change: p.Ser1142=; no amino-acid change (serine 1142 retained).
Molecular consequence: synonymous variant.
Genome position (GRCh38, 1-based): chr5:150,392,085, C>T. VCF-style: chr5-150392085-C-T. GRCh37 (hg19) VCF-style: chr5-149771648-C-T.
Other names: p.Ser1142=; c.3195C>T, p.Ser1065= (NM_000356.4, NM_001135245.2); c.3426C>T, p.Ser1142= (NM_001135243.2); c.3312C>T, p.Ser1104= (NM_001135244.2, NM_001195141.2).
Identifiers: ClinVar variation 352227 (VCV000352227.45), dbSNP rs138291748, ClinGen allele CA3511495.